The following is an entry in ClinVar:

ClinVar aggregate classification (germline): Uncertain significance (1 of 4 stars; one submission).

gnomAD v4.1: 9 of 1,613,614 alleles (0.00056%); highest among the groups gnomAD compares: South Asian, 0.0088%; no homozygotes.

Submission:

Labcorp Genetics (formerly Invitae), Labcorp
Classification: Uncertain significance. Last evaluated: 2025-02-06. Review status: criteria provided, single submitter. Criteria: Invitae Variant Classification Sherloc (09022015). Collection method: clinical testing. Allele origin: germline.
Comment: This sequence change replaces valine, which is neutral and non-polar, with methionine, which is neutral and non-polar, at codon 137 of the PIGL protein (p.Val137Met). This variant is present in population databases (no rsID available, gnomAD 0.006%). This variant has not been reported in the literature in individuals affected with PIGL-related conditions. Invitae Evidence Modeling of protein sequence and biophysical properties (such as structural, functional, and spatial information, amino acid conservation, physicochemical variation, residue mobility, and thermodynamic stability) indicates that this missense variant is not expected to disrupt PIGL protein function with a negative predictive value of 80%. In summary, the available evidence is currently insufficient to determine the role of this variant in disease. Therefore, it has been classified as a Variant of Uncertain Significance.

NM_004278.4(PIGL):c.409G>A (p.Val137Met)

Gene: PIGL (phosphatidylinositol glycan anchor biosynthesis class L; plus strand). Cytogenetic location: 17p11.2.
Variant type: single nucleotide variant.
Coding change: c.409G>A on transcript NM_004278.4 (MANE Select); coding-DNA position 409, G replaced by A.
Protein change: p.Val137Met; replaces valine 137 with methionine.
Molecular consequence: missense variant.
Genome position (GRCh38, 1-based): chr17:16,299,961, G>A. VCF-style: chr17-16299961-G-A. GRCh37 (hg19) VCF-style: chr17-16203275-G-A.
Other names: c.409G>A, p.Val137Met (NM_001411072.1); short protein forms V137M.
Identifiers: ClinVar variation 3698677 (VCV003698677.2).